The following is an entry in ClinVar:

ClinVar aggregate classification (germline): Conflicting classifications of pathogenicity. Review status: criteria provided, conflicting classifications (1 of 4 stars). 7 submissions from 5 submitters: Uncertain significance (6); Benign (1). Last evaluated 2025-10-01.

Conditions:
Hereditary spherocytosis type 3. Also called: SPTA1-Related Spherocytosis; Spherocytosis type 3. Identifiers: Orphanet 822, MedGen C2678338, MONDO:0010053, OMIM 270970.
Elliptocytosis 2 (EL2). Also called: ELLIPTOCYTOSIS, RHESUS-UNLINKED TYPE. Identifiers: Orphanet 288, MedGen C1851741, MONDO:0007533, OMIM 130600.
Pyropoikilocytosis, hereditary. Also called: Pyropoikilocytosis. Identifiers: MedGen C0520739, MONDO:0009948, OMIM 266140, HP:0004839. Disease mechanism: loss of function.

Allele frequency attached by ClinVar (database versions not stated): gnomAD exomes 0.00004 and 0.00017; ESP Exome Variant Server 0.00008; ExAC 0.00014; TOPMed 0.00027; 1000 Genomes Project 30x 0.00031; gnomAD 0.00032 and 0.00034; 1000 Genomes Project 0.00040.
gnomAD v4.1: 115 of 1,614,050 alleles (0.0071%); highest among the groups gnomAD compares: Admixed American, 0.078%; 1 homozygote.

Submissions (7):

Mayo Clinic Laboratories, Mayo Clinic
Classification: Uncertain significance. Last evaluated: 2025-10-01. Review status: criteria provided, single submitter. Criteria: ACMG Guidelines, 2015. Collection method: clinical testing. Allele origin: germline. Observed: 1 variant allele.
Comment: PM2_supporting, PM3_supporting

Revvity Omics, Revvity
Classification: Uncertain significance. Last evaluated: 2024-09-22. Review status: criteria provided, single submitter. Criteria: ACMG Guidelines, 2015. Collection method: clinical testing. Allele origin: germline.

Labcorp Genetics (formerly Invitae), Labcorp
Classification: Benign. Last evaluated: 2024-01-16. Review status: criteria provided, single submitter. Criteria: Invitae Variant Classification Sherloc (09022015). Collection method: clinical testing. Allele origin: germline.

Illumina Laboratory Services, Illumina
Classification: Uncertain significance for Hereditary spherocytosis type 3. Last evaluated: 2018-01-13. Review status: criteria provided, single submitter. Criteria: ICSL Variant Classification Criteria 13 December 2019. Collection method: clinical testing. Allele origin: germline.

Illumina Laboratory Services, Illumina
Classification: Uncertain significance for Elliptocytosis 2. Last evaluated: 2018-01-13. Review status: criteria provided, single submitter. Criteria: ICSL Variant Classification Criteria 13 December 2019. Collection method: clinical testing. Allele origin: germline.

Illumina Laboratory Services, Illumina
Classification: Uncertain significance for Pyropoikilocytosis, hereditary. Last evaluated: 2018-01-13. Review status: criteria provided, single submitter. Criteria: ICSL Variant Classification Criteria 13 December 2019. Collection method: clinical testing. Allele origin: germline.

Breakthrough Genomics
Classification: Uncertain significance. Review status: criteria provided, single submitter. Criteria: ACMG Guidelines, 2015. Collection method: not provided. Allele origin: germline. Inheritance: Autosomal recessive inheritance. Affected: yes.

Literature cited by the submitters: PubMed 38319988 (cited by Mayo Clinic Laboratories, Mayo Clinic).

NM_003126.4(SPTA1):c.6235C>T (p.Arg2079Trp)

Gene: SPTA1 (spectrin alpha, erythrocytic 1; minus strand). Cytogenetic location: 1q23.1.
Variant type: single nucleotide variant.
Coding change: c.6235C>T on transcript NM_003126.4 (MANE Select); coding-DNA position 6235, C replaced by T.
Protein change: p.Arg2079Trp; replaces arginine 2079 with tryptophan.
Molecular consequence: missense variant.
Genome position (GRCh38, 1-based): chr1:158,620,352, G>A on the plus strand (C>T on the coding strand, the complement: SPTA1 is on the minus strand). VCF-style: chr1-158620352-G-A. GRCh37 (hg19) VCF-style: chr1-158590142-G-A.
Other names: p.Arg2079Trp; short protein forms R2079W.
Identifiers: ClinVar variation 876010 (VCV000876010.11), dbSNP rs372075053, ClinGen allele CA1182041.